The following is an entry in ClinVar:

NM_000170.3(GLDC):c.2415G>A (p.Trp805Ter)

Gene: GLDC (glycine decarboxylase; minus strand). Cytogenetic location: 9p24.1.
Variant type: single nucleotide variant.
Coding change: c.2415G>A on transcript NM_000170.3 (MANE Select); coding-DNA position 2415, G replaced by A.
Protein change: p.Trp805Ter; replaces tryptophan 805 with a stop codon.
Molecular consequence: nonsense.
Genome position (GRCh38, 1-based): chr9:6,553,410, C>T on the plus strand (G>A on the coding strand, the complement: GLDC is on the minus strand). VCF-style: chr9-6553410-C-T. GRCh37 (hg19) VCF-style: chr9-6553410-C-T.
Other names: short protein forms W805*.
Identifiers: ClinVar variation 5003300 (VCV005003300.1).
Genomic context (GRCh38, chr9:6,553,410, plus strand): 5'-CATACTCCCAGGCCTCACCTTGATATAAGCCCAGGAAATGGGCAAGATGGAACTGGAGCC[C>T]CATGGGGCCGCACTGACGGTTCCCACAGGACAGGCATCCTCATTCCGCTTTAGTGAAATG-3'

ClinVar aggregate classification (germline): Pathogenic (1 of 4 stars; one submission).

Conditions:
Glycine encephalopathy 1 (GCE1). Identifiers: MedGen CN376801, MONDO:0958179, OMIM 605899.

gnomAD v4.1: 1 of 1,613,998 alleles (0.000062%); highest among the groups gnomAD compares: Non-Finnish European, 0.000085%; no homozygotes.

Submission:

Myriad Genetics, Inc.
Classification: Pathogenic for Glycine encephalopathy 1. Last evaluated: 2026-04-22. Review status: criteria provided, single submitter. Criteria: Myriad Autosomal Dominant, Autosomal Recessive and X-Linked Classification Criteria (2023). Collection method: clinical testing. Allele origin: unknown.
Comment: NM_000170.2(GLDC):c.2415G>A(W805*) is a nonsense variant classified as pathogenic in the context of glycine encephalopathy, GLDC-related. W805* has been observed in a case with relevant disease (PMID: 26179960). Relevant functional assessments of this variant are not available in the literature. W805* has not been observed in referenced population frequency databases. In summary, NM_000170.2(GLDC):c.2415G>A(W805*) is a nonsense variant in a gene where loss of function is a known mechanism of disease, is predicted to disrupt protein function, and has been observed more frequently in cases with the relevant disease than in healthy populations. Please note: this variant was assessed in the context of healthy population screening.

Literature cited by the submitters: PubMed 26179960.